The following is an entry in ClinVar:

ClinVar aggregate classification (germline): Uncertain significance (1 of 4 stars; one submission).

Conditions:
Familial adenomatous polyposis 1 (FAP1). Also called: FAMILIAL ADENOMATOUS POLYPOSIS 1, ATTENUATED; POLYPOSIS, ADENOMATOUS INTESTINAL. Identifiers: MedGen C2713442, MONDO:0021056, OMIM 175100. Disease mechanism: loss of function.

Submission:

Labcorp Genetics (formerly Invitae), Labcorp
Classification: Uncertain significance for Familial adenomatous polyposis 1. Last evaluated: 2023-12-12. Review status: criteria provided, single submitter. Criteria: Invitae Variant Classification Sherloc (09022015). Collection method: clinical testing. Allele origin: germline.
Comment: This sequence change replaces alanine, which is neutral and non-polar, with glycine, which is neutral and non-polar, at codon 449 of the APC protein (p.Ala449Gly). This variant is not present in population databases (gnomAD no frequency). This variant has not been reported in the literature in individuals affected with APC-related conditions. Advanced modeling of protein sequence and biophysical properties (such as structural, functional, and spatial information, amino acid conservation, physicochemical variation, residue mobility, and thermodynamic stability) performed at Invitae indicates that this missense variant is not expected to disrupt APC protein function with a negative predictive value of 95%. In summary, the available evidence is currently insufficient to determine the role of this variant in disease. Therefore, it has been classified as a Variant of Uncertain Significance.

NM_000038.6(APC):c.1346C>G (p.Ala449Gly)

Gene: APC (APC regulator of Wnt signaling pathway; plus strand). Cytogenetic location: 5q22.2.
Variant type: single nucleotide variant.
Coding change: c.1346C>G on transcript NM_000038.6 (MANE Select); coding-DNA position 1346, C replaced by G.
Protein change: p.Ala449Gly; replaces alanine 449 with glycine.
Molecular consequence: missense variant. On other transcripts: non-coding transcript variant (2).
Genome position (GRCh38, 1-based): chr5:112,821,929, C>G. VCF-style: chr5-112821929-C-G. GRCh37 (hg19) VCF-style: chr5-112157626-C-G.
Other names: c.1346C>G, p.Ala449Gly (NM_001127510.3, NM_001354895.2, NM_001354896.2 and 4 more transcripts); c.1292C>G, p.Ala431Gly (NM_001127511.3); c.1376C>G, p.Ala459Gly (NM_001354897.2, NM_001407446.1); c.1271C>G, p.Ala424Gly (NM_001354898.2, NM_001407451.1); c.1262C>G, p.Ala421Gly (NM_001354899.2, NM_001407452.1); c.1169C>G, p.Ala390Gly (NM_001354900.2, NM_001354901.2, NM_001407453.1); c.1073C>G, p.Ala358Gly (NM_001354902.2); c.1043C>G, p.Ala348Gly (NM_001354903.2, NM_001407454.1, NM_001407455.1 and 5 more transcripts); and 5 more; short protein forms A166G, A289G, A358G, A421G, A459G, A320G, A390G, A424G.
Identifiers: ClinVar variation 2777735 (VCV002777735.3), dbSNP rs1554080697, ClinGen allele CA16024252.